The following is an entry in ClinVar:

ClinVar aggregate classification (germline): Benign/Likely benign. Review status: criteria provided, multiple submitters, no conflicts (2 of 4 stars). 2 submissions from 2 submitters: Benign (1); Likely benign (1). Last evaluated 2026-03-27.

gnomAD v4.1: 2,326 of 651,918 alleles (0.36%); highest among the groups gnomAD compares: Non-Finnish European, 0.36%; 22 homozygotes.

Submissions (2):

Molecular Diagnostic Laboratory for Inherited Cardiovascular Disease, Montreal Heart Institute
Classification: Likely benign. Last evaluated: 2026-03-27. Review status: criteria provided, single submitter. Criteria: ACMG Guidelines, 2015. Collection method: clinical testing. Allele origin: germline. Affected: no.
Comment: BS1

Laboratory of Genetics, Children's Clinical University Hospital Latvia
Classification: Benign. Last evaluated: 2025-02-16. Review status: criteria provided, single submitter. Criteria: ACMG Guidelines, 2015. Collection method: clinical testing. Allele origin: germline. Affected: yes.

NM_005070.4(SLC4A3):c.217+201G>C

Gene: SLC4A3 (solute carrier family 4 member 3; plus strand). Cytogenetic location: 2q35.
Variant type: single nucleotide variant.
Coding change: c.217+201G>C on transcript NM_005070.4 (MANE Select); 201 bases into the intron after coding-DNA position 217, G replaced by C.
Molecular consequence: intron variant.
Genome position (GRCh38, 1-based): chr2:219,628,771, G>C. VCF-style: chr2-219628771-G-C. GRCh37 (hg19) VCF-style: chr2-220493493-G-C.
Other names: c.217+201G>C (NM_005070.3, NM_001326559.2, NM_201574.3).
Identifiers: ClinVar variation 3910249 (VCV003910249.2), dbSNP rs542805045.